The following is an entry in ClinVar:

NM_000238.4(KCNH2):c.3251dup (p.Pro1086fs)

Gene: KCNH2 (potassium voltage-gated channel subfamily H member 2; minus strand). Cytogenetic location: 7q36.1.
Variant type: Duplication.
Coding change: c.3251dup on transcript NM_000238.4 (MANE Select); coding-DNA position 3251, one base duplicated (C; older notation c.3251dupC).
Protein change: p.Pro1086fs; shifts the reading frame from proline 1086.
Molecular consequence: frameshift variant.
Genome position (GRCh38, 1-based): chr7:150,946,956, G duplicated on the plus strand (C on the coding strand, the reverse complement: KCNH2 is on the minus strand); the first of 4 consecutive G bases (chr7:150,946,956-150,946,959); duplicating any one gives the same sequence. VCF-style (leftmost placement, unchanged base first): chr7-150946955-C-CG. GRCh37 (hg19) VCF-style: chr7-150644043-C-CG.
Other names: c.2231dup, p.Pro746fs (NM_172057.3); short protein forms P746fs, P1086fs.
Identifiers: ClinVar variation 200711 (VCV000200711.11), dbSNP rs794728473, ClinGen allele CA305339.
Genomic context (GRCh38, chr7:150,946,955, plus strand): 5'-GGTGAGGGTGGGGAGGGGGCTGACGGGCAACAGCGGGGATGTGGAAGTGGGGCCAGGCCC[C>CG]GGGGTGGTCACAGCACTGTAGGCGGGCGGGACCAGCGTCATCTGCCTCTGTAGCAGCTGC-3'

ClinVar aggregate classification (germline): Pathogenic. Review status: criteria provided, multiple submitters, no conflicts (2 of 4 stars). 2 submissions from 2 submitters: Pathogenic (2). Last evaluated 2021-03-09.

Conditions:
Long QT syndrome (LQTS). Identifiers: MedGen C0023976, MeSH D008133, MONDO:0002442. Disease mechanism: loss of function. Inheritance: Various modes of inheritance.

Submissions (2):

Labcorp Genetics (formerly Invitae), Labcorp
Classification: Pathogenic for Long QT syndrome. Last evaluated: 2021-03-09. Review status: criteria provided, single submitter. Criteria: Invitae Variant Classification Sherloc (09022015). Collection method: clinical testing. Allele origin: germline.
Comment: For these reasons, this variant has been classified as Pathogenic. This sequence change results in a premature translational stop signal in the KCNH2 gene (p.Pro1086Alafs*33). While this is not anticipated to result in nonsense mediated decay, it is expected to disrupt the last 74 amino acids of the KCNH2 protein. This variant is not present in population databases (ExAC no frequency). This variant has not been reported in the literature in individuals with KCNH2-related conditions. ClinVar contains an entry for this variant (Variation ID: 200711). This variant disrupts the C-terminus of the KCNH2 protein. Other variant(s) that disrupt this region (p.Glu1119*) have been determined to be pathogenic (PMID: 27920829). This suggests that variants that disrupt this region of the protein are likely to be causative of disease.

GeneDx
Classification: Pathogenic. Last evaluated: 2017-01-05. Review status: criteria provided, single submitter. Criteria: GeneDx Variant Classification (06012015). Collection method: clinical testing. Allele origin: germline. Affected: yes.
Comment: Although the c.3251dupC pathogenic variant in the KCNH2 gene has not been reported to our knowledge, this pathogenic variant causes a shift in reading frame starting at codon Proline 1086, changing it to an Alanine, and creating a premature stop codon at position 33 of the new reading frame, denoted p.Pro1086AlafsX33. This pathogenic variant is expected to result in either an abnormal, truncated protein product or loss of protein from this allele through nonsense-mediated mRNA decay. Other frameshift pathogenic variants in the KCNH2 gene have been reported in association with LQTS. In summary, c.3251dupC in the KCNH2 gene is interpreted as a pathogenic variant.

Literature cited by the submitters: PubMed 27920829 (cited by Labcorp Genetics (formerly Invitae), Labcorp).